The following is an entry in ClinVar:

ClinVar aggregate classification (germline): Uncertain significance. Review status: criteria provided, multiple submitters, no conflicts (2 of 4 stars). 2 submissions from 2 submitters: Uncertain significance (2). Last evaluated 2024-05-23.

Conditions:
Vesicoureteral reflux 2 (VUR2). Identifiers: Orphanet 289365, MedGen C1970483, MONDO:0012573, OMIM 610878.

gnomAD v4.1: 16 of 1,613,868 alleles (0.00099%); highest among the groups gnomAD compares: Admixed American, 0.0017%; no homozygotes.

Submissions (2):

Fulgent Genetics
Classification: Uncertain significance for Vesicoureteral reflux 2. Last evaluated: 2024-05-23. Review status: criteria provided, single submitter. Criteria: ACMG Guidelines, 2015. Collection method: clinical testing. Allele origin: germline.

Labcorp Genetics (formerly Invitae), Labcorp
Classification: Uncertain significance. Last evaluated: 2024-01-19. Review status: criteria provided, single submitter. Criteria: Invitae Variant Classification Sherloc (09022015). Collection method: clinical testing. Allele origin: germline.
Comment: This sequence change replaces proline, which is neutral and non-polar, with serine, which is neutral and polar, at codon 1078 of the ROBO2 protein (p.Pro1078Ser). This variant is present in population databases (rs200040879, gnomAD 0.008%). This variant has not been reported in the literature in individuals affected with ROBO2-related conditions. Advanced modeling of protein sequence and biophysical properties (such as structural, functional, and spatial information, amino acid conservation, physicochemical variation, residue mobility, and thermodynamic stability) performed at Invitae indicates that this missense variant is not expected to disrupt ROBO2 protein function with a negative predictive value of 95%. In summary, the available evidence is currently insufficient to determine the role of this variant in disease. Therefore, it has been classified as a Variant of Uncertain Significance.

NM_001395656.1(ROBO2):c.3244C>T (p.Pro1082Ser)

Gene: ROBO2 (roundabout guidance receptor 2; plus strand). Cytogenetic location: 3p12.3.
Variant type: single nucleotide variant.
Coding change: c.3244C>T on transcript NM_001395656.1 (MANE Select); coding-DNA position 3244, C replaced by T.
Protein change: p.Pro1082Ser; replaces proline 1082 with serine.
Molecular consequence: missense variant.
Genome position (GRCh38, 1-based): chr3:77,607,893, C>T. VCF-style: chr3-77607893-C-T. GRCh37 (hg19) VCF-style: chr3-77657044-C-T.
Other names: c.3280C>T, p.Pro1094Ser (NM_001128929.3); c.3244C>T, p.Pro1082Ser (NM_001290039.2, NM_001290040.2); c.1453C>T, p.Pro485Ser (NM_001290065.2); c.3292C>T, p.Pro1098Ser (NM_001378190.1, NM_001378200.1, NM_001378201.1 and 1 more transcripts); c.3418C>T, p.Pro1140Ser (NM_001378191.1, NM_001378195.1, NM_001378196.1); c.3313C>T, p.Pro1105Ser (NM_001378192.1, NM_001378198.1, NM_001378199.1); c.3232C>T, p.Pro1078Ser (NM_001378193.1, NM_002942.5); c.3430C>T, p.Pro1144Ser (NM_001378194.1); and 5 more; short protein forms P1079S, P1082S, P1094S, P1101S, P1120S, P1147S, P1105S, P1143S.
Identifiers: ClinVar variation 2964000 (VCV002964000.4), dbSNP rs200040879, ClinGen allele CA2497589.